The following is an entry in ClinVar:

NM_000283.4(PDE6B):c.1387A>C (p.Ile463Leu)

Gene: PDE6B (phosphodiesterase 6B; plus strand). Cytogenetic location: 4p16.3.
Variant type: single nucleotide variant.
Coding change: c.1387A>C on transcript NM_000283.4 (MANE Select); coding-DNA position 1387, A replaced by C.
Protein change: p.Ile463Leu; replaces isoleucine 463 with leucine.
Molecular consequence: missense variant.
Genome position (GRCh38, 1-based): chr4:657,480, A>C. VCF-style: chr4-657480-A-C. GRCh37 (hg19) VCF-style: chr4-651269-A-C.
Other names: c.1387A>C, p.Ile463Leu (NM_001145291.2); c.550A>C, p.Ile184Leu (NM_001145292.2, NM_001350154.3, NM_001379246.1 and 1 more transcripts); c.232A>C, p.Ile78Leu (NM_001350155.3); short protein forms I184L, I463L, I78L.
Identifiers: ClinVar variation 2098890 (VCV002098890.4), dbSNP rs2474218906, ClinGen allele CA355914373.

ClinVar aggregate classification (germline): Uncertain significance (1 of 4 stars; one submission).

Submission:

Labcorp Genetics (formerly Invitae), Labcorp
Classification: Uncertain significance. Last evaluated: 2022-08-16. Review status: criteria provided, single submitter. Criteria: Invitae Variant Classification Sherloc (09022015). Collection method: clinical testing. Allele origin: germline.
Comment: This sequence change replaces isoleucine, which is neutral and non-polar, with leucine, which is neutral and non-polar, at codon 463 of the PDE6B protein (p.Ile463Leu). This variant is not present in population databases (gnomAD no frequency). This variant has not been reported in the literature in individuals affected with PDE6B-related conditions. Algorithms developed to predict the effect of missense changes on protein structure and function are either unavailable or do not agree on the potential impact of this missense change (SIFT: "Deleterious"; PolyPhen-2: "Benign"; Align-GVGD: "Class C0"). In summary, the available evidence is currently insufficient to determine the role of this variant in disease. Therefore, it has been classified as a Variant of Uncertain Significance.